The following is an entry in ClinVar:

ClinVar aggregate classification (germline): Likely pathogenic (1 of 4 stars; one submission).

Conditions:
Fanconi anemia (FA). Also called: Fanconi's anemia. Identifiers: Orphanet 84, MedGen C0015625, MeSH D005199, MONDO:0019391.

Allele frequency attached by ClinVar (database versions not stated): gnomAD exomes below 0.00001.
gnomAD v4.1: 1 of 1,546,486 alleles (0.000065%); highest among the groups gnomAD compares: Non-Finnish European, 0.000089%; no homozygotes.

Submission:

Labcorp Genetics (formerly Invitae), Labcorp
Classification: Likely pathogenic for Fanconi anemia. Last evaluated: 2023-05-22. Review status: criteria provided, single submitter. Criteria: Invitae Variant Classification Sherloc (09022015). Collection method: clinical testing. Allele origin: germline.
Comment: In summary, the currently available evidence indicates that the variant is pathogenic, but additional data are needed to prove that conclusively. Therefore, this variant has been classified as Likely Pathogenic. Algorithms developed to predict the effect of sequence changes on RNA splicing suggest that this variant may disrupt the consensus splice site. This variant has not been reported in the literature in individuals affected with FANCD2-related conditions. This variant is present in population databases (no rsID available, gnomAD 0.0009%). This sequence change affects an acceptor splice site in intron 26 of the FANCD2 gene. It is expected to disrupt RNA splicing. Variants that disrupt the donor or acceptor splice site typically lead to a loss of protein function (PMID: 16199547), and loss-of-function variants in FANCD2 are known to be pathogenic (PMID: 17436244).

Literature cited by the submitters: PubMed 16199547; PubMed 17436244.

NM_001018115.3(FANCD2):c.2495-2A>G

Genes: FANCD2 (FA complementation group D2; plus strand), LOC107303338 (3p25 FANCD2 Alu-mediated recombination region; plus strand). Cytogenetic location: 3p25.3.
Variant type: single nucleotide variant.
Coding change: c.2495-2A>G on transcript NM_001018115.3 (MANE Select); the canonical splice acceptor site of the intron before coding-DNA position 2495, A replaced by G.
Molecular consequence: splice acceptor variant.
Genome position (GRCh38, 1-based): chr3:10,072,869, A>G. VCF-style: chr3-10072869-A-G. GRCh37 (hg19) VCF-style: chr3-10114553-A-G.
Other names: c.2495-2A>G (NM_001319984.2, NM_033084.6, NM_001374254.1); c.2384-2A>G (NM_001374253.1).
Identifiers: ClinVar variation 2900020 (VCV002900020.3), dbSNP rs1252959923, ClinGen allele CA351741294.
Genomic context (GRCh38, chr3:10,072,869, plus strand): 5'-TTCAAGTCTAATGGTGGTGTGTAATTGGTACACATTGAGCTTCAGCCTGCTGTTTGTTTC[A>G]GTCACCCCAGACTATGTCCCTCCTCTTGGAAACTTTGATGTGGAAACTTTAGATATAACA-3'